The following is an entry in ClinVar:

NM_024665.7(TBL1XR1):c.1297A>T (p.Ile433Leu)

Gene: TBL1XR1 (TBL1X/Y related 1; minus strand). Cytogenetic location: 3q26.32.
Variant type: single nucleotide variant.
Coding change: c.1297A>T on transcript NM_024665.7 (MANE Select); coding-DNA position 1297, A replaced by T.
Protein change: p.Ile433Leu; replaces isoleucine 433 with leucine.
Molecular consequence: missense variant.
Genome position (GRCh38, 1-based): chr3:177,033,090, T>A on the plus strand (A>T on the coding strand, the complement: TBL1XR1 is on the minus strand). VCF-style: chr3-177033090-T-A. GRCh37 (hg19) VCF-style: chr3-176750878-T-A.
Other names: c.1297A>T, p.Ile433Leu (NM_001321193.3, NM_001321194.3, NM_001374327.1 and 2 more transcripts); c.1036A>T, p.Ile346Leu (NM_001321195.3, NM_001374330.1); short protein forms I346L, I433L.
Identifiers: ClinVar variation 2579577 (VCV002579577.1), dbSNP rs2473594633, ClinGen allele CA355554452.
Genomic context (GRCh38, chr3:177,033,090, plus strand): 5'-CAGGACTGAAAGCTACACTGTACACAGGCTCTTGGTGTTTTGTCAAGGTATGGATGCATA[T>A]CCCTCGGTCTACATCCCATAACCTAACAGTAGAATCAAAGGATGCACTGAAAAAGGAAGG-3'
Protein context (NP_078941.2, residues 423-443): TVRLWDVDRG[Ile433Leu]CIHTLTKHQE

ClinVar aggregate classification (germline): Uncertain significance (1 of 4 stars; one submission).

gnomAD v4.1: 4 of 1,603,746 alleles (0.00025%); highest among the groups gnomAD compares: Non-Finnish European, 0.00034%; no homozygotes.

Submission:

GeneDx
Classification: Uncertain significance. Last evaluated: 2023-03-06. Review status: criteria provided, single submitter. Criteria: GeneDx Variant Classification Process June 2021. Collection method: clinical testing. Allele origin: germline. Affected: yes.
Comment: Not observed at significant frequency in large population cohorts (gnomAD); In silico analysis supports that this missense variant does not alter protein structure/function; Has not been previously published as pathogenic or benign to our knowledge